The following is an entry in ClinVar:

ClinVar aggregate classification (germline): Uncertain significance (0 of 4 stars; one submission).

Conditions:
RPGRIP1L-related disorder. Also called: RPGRIP1L-related condition; RPGRIP1L-related disorders. Identifiers: MedGen CN239416.

Submission:

PreventionGenetics, part of Exact Sciences
Classification: Uncertain significance for RPGRIP1L-related condition. Last evaluated: 2023-11-14. Review status: no assertion criteria provided. Collection method: clinical testing. Allele origin: germline.
Comment: The RPGRIP1L c.2291A>G variant is predicted to result in the amino acid substitution p.Glu764Gly. To our knowledge, this variant has not been reported in the literature or in a large population database, indicating this variant is rare. At this time, the clinical significance of this variant is uncertain due to the absence of conclusive functional and genetic evidence.

NM_015272.5(RPGRIP1L):c.2291A>G (p.Glu764Gly)

Gene: RPGRIP1L (RPGRIP1 like; minus strand). Cytogenetic location: 16q12.2.
Variant type: single nucleotide variant.
Coding change: c.2291A>G on transcript NM_015272.5 (MANE Select); coding-DNA position 2291, A replaced by G.
Protein change: p.Glu764Gly; replaces glutamic acid 764 with glycine.
Molecular consequence: missense variant.
Genome position (GRCh38, 1-based): chr16:53,648,977, T>C on the plus strand (A>G on the coding strand, the complement: RPGRIP1L is on the minus strand). VCF-style: chr16-53648977-T-C. GRCh37 (hg19) VCF-style: chr16-53682889-T-C.
Other names: c.2291A>G, p.Glu764Gly (NM_001127897.4, NM_001308334.3, NM_001330538.2); short protein forms E764G.
Identifiers: ClinVar variation 3349021 (VCV003349021.1).